The following is an entry in ClinVar:

ClinVar aggregate classification (germline): Pathogenic (1 of 4 stars; one submission).

Submission:

Labcorp Genetics (formerly Invitae), Labcorp
Classification: Pathogenic. Last evaluated: 2023-09-11. Review status: criteria provided, single submitter. Criteria: Invitae Variant Classification Sherloc (09022015). Collection method: clinical testing. Allele origin: germline.
Comment: For these reasons, this variant has been classified as Pathogenic. This variant has not been reported in the literature in individuals affected with LRPPRC-related conditions. This variant is not present in population databases (gnomAD no frequency). This sequence change creates a premature translational stop signal (p.Lys704*) in the LRPPRC gene. It is expected to result in an absent or disrupted protein product. Loss-of-function variants in LRPPRC are known to be pathogenic (PMID: 26510951).

Literature cited by the submitters: PubMed 26510951.

NM_133259.4(LRPPRC):c.2110A>T (p.Lys704Ter)

Gene: LRPPRC (leucine rich pentatricopeptide repeat containing; minus strand). Cytogenetic location: 2p21.
Variant type: single nucleotide variant.
Coding change: c.2110A>T on transcript NM_133259.4 (MANE Select); coding-DNA position 2110, A replaced by T.
Protein change: p.Lys704Ter; replaces lysine 704 with a stop codon.
Molecular consequence: nonsense.
Genome position (GRCh38, 1-based): chr2:43,946,213, T>A on the plus strand (A>T on the coding strand, the complement: LRPPRC is on the minus strand). VCF-style: chr2-43946213-T-A. GRCh37 (hg19) VCF-style: chr2-44173352-T-A.
Other names: short protein forms K704*.
Identifiers: ClinVar variation 2756950 (VCV002756950.3), dbSNP rs2466565500, ClinGen allele CA346674642.
Genomic context (GRCh38, chr2:43,946,213, plus strand): 5'-GTCGACAGCATAAATTTATTAAAGCTGCATAGCCACCAGTAACCATGTCGGATTCATATT[T>A]TGCTTTCAATTCAAGGGCTTTTTGCATATTCTAAAATACAGCATAGATGTGAAAAAGAAG-3'